The following is an entry in ClinVar:

ClinVar aggregate classification (germline): Uncertain significance. Review status: criteria provided, multiple submitters, no conflicts (2 of 4 stars). 2 submissions from 2 submitters: Uncertain significance (2). Last evaluated 2023-01-27.

Conditions:
Intellectual developmental disorder, autosomal dominant 54. Also called: MENTAL RETARDATION, AUTOSOMAL DOMINANT 54; Intellectual disability, autosomal dominant 54. Identifiers: MedGen C4540484, MONDO:0030920, OMIM 617799.

gnomAD v4.1: 1 of 1,573,062 alleles (0.000064%); highest among the groups gnomAD compares: African/African-American, 0.0013%; no homozygotes.

Submissions (2):

Revvity Omics, Revvity
Classification: Uncertain significance for Intellectual developmental disorder, autosomal dominant 54. Last evaluated: 2023-01-27. Review status: criteria provided, single submitter. Criteria: ACMG Guidelines, 2015. Collection method: clinical testing. Allele origin: germline.

Labcorp Genetics (formerly Invitae), Labcorp
Classification: Uncertain significance. Last evaluated: 2022-12-13. Review status: criteria provided, single submitter. Criteria: Invitae Variant Classification Sherloc (09022015). Collection method: clinical testing. Allele origin: germline.
Comment: In summary, the available evidence is currently insufficient to determine the role of this variant in disease. Therefore, it has been classified as a Variant of Uncertain Significance. Algorithms developed to predict the effect of missense changes on protein structure and function (SIFT, PolyPhen-2, Align-GVGD) all suggest that this variant is likely to be disruptive. This variant has not been reported in the literature in individuals affected with CAMK2B-related conditions. This variant is not present in population databases (gnomAD no frequency). This sequence change replaces glutamic acid, which is acidic and polar, with glutamine, which is neutral and polar, at codon 547 of the CAMK2B protein (p.Glu547Gln).

NM_001220.5(CAMK2B):c.1639G>C (p.Glu547Gln)

Gene: CAMK2B (calcium/calmodulin dependent protein kinase II beta; minus strand). Cytogenetic location: 7p13.
Variant type: single nucleotide variant.
Coding change: c.1639G>C on transcript NM_001220.5 (MANE Select); coding-DNA position 1639, G replaced by C.
Protein change: p.Glu547Gln; replaces glutamic acid 547 with glutamine.
Molecular consequence: missense variant.
Genome position (GRCh38, 1-based): chr7:44,220,860, C>G on the plus strand (G>C on the coding strand, the complement: CAMK2B is on the minus strand). VCF-style: chr7-44220860-C-G. GRCh37 (hg19) VCF-style: chr7-44260459-C-G.
Other names: c.1267G>C, p.Glu423Gln (NM_001293170.2, NM_172078.3); c.1195G>C, p.Glu399Gln (NM_172079.3, NM_172082.3); c.1192G>C, p.Glu398Gln (NM_172080.3); c.1150G>C, p.Glu384Gln (NM_172081.3); c.1078G>C, p.Glu360Gln (NM_172083.3); c.988G>C, p.Glu330Gln (NM_172084.3); short protein forms E330Q, E360Q, E384Q, E398Q, E399Q, E423Q, E547Q.
Identifiers: ClinVar variation 2439704 (VCV002439704.6), dbSNP rs2096393261, ClinGen allele CA367369993.